The following is an entry in ClinVar:

NM_000051.4(ATM):c.3856del (p.Cys1286fs)

Gene: ATM (ATM serine/threonine kinase; plus strand). Cytogenetic location: 11q22.3.
Variant type: Deletion.
Coding change: c.3856del on transcript NM_000051.4 (MANE Select); coding-DNA position 3856, one base deleted (T; older notation c.3856delT).
Protein change: p.Cys1286fs; shifts the reading frame from cysteine 1286.
Molecular consequence: frameshift variant.
Genome position (GRCh38, 1-based): chr11:108,284,336, T deleted. VCF-style (leftmost placement, unchanged base first): chr11-108284335-CT-C. GRCh37 (hg19) VCF-style: chr11-108155062-CT-C.
Other names: NM_000051.4:c.3856del; c.3856del, p.Cys1286fs (NM_001351834.2); short protein forms C1286fs.
Identifiers: ClinVar variation 4056349 (VCV004056349.1).

ClinVar aggregate classification (germline): Pathogenic (3 of 4 stars; one submission).

Conditions:
ATM-related cancer predisposition. Also called: ATM-related cancer susceptibility. Identifiers: MedGen CN377759, MONDO:0700270.

Submission:

ClinGen Hereditary Breast, Ovarian and Pancreatic Cancer Variant Curation Expert Panel, ClinGen
Classification: Pathogenic for ATM-related cancer predisposition. Last evaluated: 2025-06-11. Review status: reviewed by expert panel. Criteria: ClinGen HBOP ACMG Specifications ATM V1.3.0. Collection method: curation. Allele origin: germline. Inheritance: Autosomal dominant inheritance.
Comment: The c.3856del p.Cys1286Alafs*7 variant in ATM is a frameshift variant in a biologically-relevant-exon predicted to cause a premature stop codon leading to nonsense mediated decay in a gene in which loss-of-function is an established disease mechanism. This alteration results in a termination codon upstream of the most C-terminus pathogenic alteration (ATM p.Arg3047*), as classified by the HBOP VCEP, and is expected to be more deleterious. This variant has been reported in at least one individual with Ataxia-Telangiectasia (PMID: 26896183). This variant is absent from gnomAD v4.1.0. In summary, this variant meets criteria to be classified as pathogenic for autosomal dominant ATM-related cancer predisposition and autosomal recessive Ataxia-Telangiectasia based on the ACMG/AMP criteria applied as specified by the HBOP Variant Curation Expert Panel. (PVS1, PM5_Supporting, PM3, PM2_Supporting)